The following is an entry in ClinVar:

NM_000136.3(FANCC):c.1388C>T (p.Ser463Leu)

Genes: FANCC (FA complementation group C; minus strand), AOPEP (aminopeptidase O (putative); plus strand). Cytogenetic location: 9q22.32.
Variant type: single nucleotide variant.
Coding change: c.1388C>T on transcript NM_000136.3 (MANE Select); coding-DNA position 1388, C replaced by T.
Protein change: p.Ser463Leu; replaces serine 463 with leucine.
Molecular consequence: missense variant.
Genome position (GRCh38, 1-based): chr9:95,107,211, G>A on the plus strand (C>T on the coding strand, the complement: FANCC is on the minus strand). VCF-style: chr9-95107211-G-A. GRCh37 (hg19) VCF-style: chr9-97869493-G-A.
Other names: c.1388C>T, p.Ser463Leu (NM_001243743.2); short protein forms S463L.
Identifiers: ClinVar variation 641917 (VCV000641917.13), dbSNP rs1588029402, ClinGen allele CA374106162.

ClinVar aggregate classification (germline): Uncertain significance. Review status: criteria provided, multiple submitters, no conflicts (2 of 4 stars). 2 submissions from 2 submitters: Uncertain significance (2). Last evaluated 2019-05-22.

Conditions:
Hereditary cancer-predisposing syndrome. Also called: Neoplastic Syndromes, Hereditary; Tumor predisposition; Hereditary neoplastic syndrome; Hereditary Cancer Syndrome. Identifiers: Orphanet 140162, MedGen C0027672, MeSH D009386, MONDO:0015356.
Fanconi anemia (FA). Also called: Fanconi's anemia. Identifiers: Orphanet 84, MedGen C0015625, MeSH D005199, MONDO:0019391.

Submissions (2):

Ambry Genetics
Classification: Uncertain significance for Hereditary cancer-predisposing syndrome. Last evaluated: 2019-05-22. Review status: criteria provided, single submitter. Criteria: Ambry Variant Classification Scheme 2023. Collection method: clinical testing. Allele origin: germline.
Comment: The p.S463L variant (also known as c.1388C>T), located in coding exon 13 of the FANCC gene, results from a C to T substitution at nucleotide position 1388. The serine at codon 463 is replaced by leucine, an amino acid with dissimilar properties. This amino acid position is highly conserved in available vertebrate species. In addition, this alteration is predicted to be tolerated by in silico analysis. Since supporting evidence is limited at this time, the clinical significance of this alteration remains unclear.

Labcorp Genetics (formerly Invitae), Labcorp
Classification: Uncertain significance for Fanconi anemia. Last evaluated: 2018-10-29. Review status: criteria provided, single submitter. Criteria: Invitae Variant Classification Sherloc (09022015). Collection method: clinical testing. Allele origin: germline.
Comment: In summary, the available evidence is currently insufficient to determine the role of this variant in disease. Therefore, it has been classified as a Variant of Uncertain Significance. Algorithms developed to predict the effect of missense changes on protein structure and function are either unavailable or do not agree on the potential impact of this missense change (SIFT: "Tolerated"; PolyPhen-2: "Probably Damaging"; Align-GVGD: "Class C0"). This variant has not been reported in the literature in individuals with FANCC-related disease. This variant is not present in population databases (ExAC no frequency). This sequence change replaces serine with leucine at codon 463 of the FANCC protein (p.Ser463Leu). The serine residue is moderately conserved and there is a large physicochemical difference between serine and leucine.